The following is an entry in ClinVar:

ClinVar aggregate classification (germline): Uncertain significance (1 of 4 stars; one submission).

Conditions:
Intellectual developmental disorder, autosomal dominant 1. Also called: MBD5 Haploinsufficiency; Intellectual disability, autosomal dominant 1. Identifiers: Orphanet 228402, MedGen C1969562, MONDO:0007974, OMIM 156200.

Submission:

Labcorp Genetics (formerly Invitae), Labcorp
Classification: Uncertain significance for Intellectual developmental disorder, autosomal dominant 1. Last evaluated: 2025-12-16. Review status: criteria provided, single submitter. Criteria: Invitae Variant Classification Sherloc (09022015). Collection method: clinical testing. Allele origin: germline.
Comment: This sequence change replaces aspartic acid, which is acidic and polar, with asparagine, which is neutral and polar, at codon 676 of the MBD5 protein (p.Asp676Asn). This variant is not present in population databases (gnomAD no frequency). This variant has not been reported in the literature in individuals affected with MBD5-related conditions. Invitae Evidence Modeling of protein sequence and biophysical properties (such as structural, functional, and spatial information, amino acid conservation, physicochemical variation, residue mobility, and thermodynamic stability) indicates that this missense variant is not expected to disrupt MBD5 protein function with a negative predictive value of 80%. In summary, the available evidence is currently insufficient to determine the role of this variant in disease. Therefore, it has been classified as a Variant of Uncertain Significance.

NM_001378120.1(MBD5):c.2026G>A (p.Asp676Asn)

Gene: MBD5 (methyl-CpG binding domain protein 5; plus strand). Cytogenetic location: 2q23.1.
Variant type: single nucleotide variant.
Coding change: c.2026G>A on transcript NM_001378120.1 (MANE Select); coding-DNA position 2026, G replaced by A.
Protein change: p.Asp676Asn; replaces aspartic acid 676 with asparagine.
Molecular consequence: missense variant.
Genome position (GRCh38, 1-based): chr2:148,469,969, G>A. VCF-style: chr2-148469969-G-A. GRCh37 (hg19) VCF-style: chr2-149227538-G-A.
Other names: c.2026G>A, p.Asp676Asn (NM_001438859.1, NM_001438860.1, NM_001438861.1 and 7 more transcripts); short protein forms D676N.
Identifiers: ClinVar variation 4759657 (VCV004759657.1).